The following is an entry in ClinVar:

ClinVar aggregate classification (germline): Conflicting classifications of pathogenicity. Review status: criteria provided, conflicting classifications (1 of 4 stars). 4 submissions from 4 submitters: Uncertain significance (2); Likely benign (1). 1 of the submissions does not count toward it. Last evaluated 2024-01-22.

Conditions:
Malignant hyperthermia, susceptibility to, 1 (MHS1). Also called: Malignant hyperthermia suceptibility 1; RYR1-Related Malignant Hyperthermia Susceptibility; Anesthesia related hyperthermia; Malignant hyperpyrexia; Fulminating hyperpyrexia; Pharmacogenic myopathy. Identifiers: Orphanet 423, MedGen C2930980, MONDO:0007783, OMIM 145600.
RYR1-related disorder. Also called: RYR1-related condition; RYR1-related disorders. Identifiers: MedGen CN239331.

Allele frequency attached by ClinVar (database versions not stated): gnomAD 0.00001; TOPMed 0.00001.
gnomAD v4.1: 2 of 1,613,784 alleles (0.00012%); highest among the groups gnomAD compares: African/African-American, 0.0013%; no homozygotes.

Submissions (4):

All of Us Research Program, National Institutes of Health
Classification: Uncertain significance for Malignant hyperthermia, susceptibility to, 1. Last evaluated: 2024-01-22. Review status: criteria provided, single submitter. Criteria: ACMG Guidelines, 2015. Collection method: clinical testing. Allele origin: germline. Inheritance: Autosomal dominant inheritance. Observed: 3 variant alleles, 3 heterozygotes.
Comment: This variant causes a T to G nucleotide substitution at the -4 position of intron 94 of the RYR1 gene. To our knowledge, functional studies have not been reported for this variant. This variant has not been reported in individuals affected with RYR1-related disorders in the literature. This variant has not been identified in the general population by the Genome Aggregation Database (gnomAD). The available evidence is insufficient to determine the role of this variant in disease conclusively. Therefore, this variant is classified as a Variant of Uncertain Significance.

This study involves interpretation of variants in research participants for the purpose of population health screening. Participant phenotype was not available at the time of variant classification. Additional details can be found in publication PMID: 35346344, PMCID: PMC8962531

Labcorp Genetics (formerly Invitae), Labcorp
Classification: Likely benign for RYR1-related disorder. Last evaluated: 2023-10-04. Review status: criteria provided, single submitter. Criteria: Invitae Variant Classification Sherloc (09022015). Collection method: clinical testing. Allele origin: germline.

CeGaT Center for Human Genetics Tuebingen
Classification: Uncertain significance. Last evaluated: 2019-03-01. Review status: criteria provided, single submitter. Criteria: CeGaT Center For Human Genetics Tuebingen Variant Classification Criteria Version 2. Collection method: clinical testing. Allele origin: germline. Affected: yes. Observed: 1 variant allele.

PreventionGenetics, part of Exact Sciences
Classification: Likely benign for RYR1-related condition. Last evaluated: 2021-04-07. Review status: no assertion criteria provided. Collection method: clinical testing. Allele origin: germline. Not counted in ClinVar's aggregate classification.
Comment: This variant is classified as likely benign based on ACMG/AMP sequence variant interpretation guidelines (Richards et al. 2015 PMID: 25741868, with internal and published modifications).

NM_000540.3(RYR1):c.13747-4T>G

Gene: RYR1 (ryanodine receptor 1; plus strand). Cytogenetic location: 19q13.2.
Variant type: single nucleotide variant.
Coding change: c.13747-4T>G on transcript NM_000540.3 (MANE Select); 4 bases into the intron before coding-DNA position 13747, T replaced by G.
Molecular consequence: intron variant.
Genome position (GRCh38, 1-based): chr19:38,572,015, T>G. VCF-style: chr19-38572015-T-G. GRCh37 (hg19) VCF-style: chr19-39062655-T-G.
Other names: c.13732-4T>G (NM_001042723.2); c.13747-4T>G (NM_000540.2).
Identifiers: ClinVar variation 808571 (VCV000808571.49), dbSNP rs1287127447, ClinGen allele CA882062413.
Genomic context (GRCh38, chr19:38,572,015, plus strand): 5'-CTCAATTTTGTGAGTGGGCTCTGCATGTGGCAGACCCACAGATGAATCTCTGTCCCCATT[T>G]CAGGTCTCAGACTCTCCACCAGGGGAGGACGACATGGAAGGCTCAGCTGCTGGGGATGTG-3'